The following is an entry in ClinVar:

NM_001367624.2(ZNF469):c.5702C>G (p.Pro1901Arg)

Gene: ZNF469 (zinc finger protein 469; plus strand). Cytogenetic location: 16q24.2.
Variant type: single nucleotide variant.
Coding change: c.5702C>G on transcript NM_001367624.2 (MANE Select); coding-DNA position 5702, C replaced by G.
Protein change: p.Pro1901Arg; replaces proline 1901 with arginine.
Molecular consequence: missense variant.
Genome position (GRCh38, 1-based): chr16:88,433,172, C>G. VCF-style: chr16-88433172-C-G. GRCh37 (hg19) VCF-style: chr16-88499580-C-G.
Other names: NM_001127464.1:c.5618C>G; short protein forms P1901R.
Identifiers: ClinVar variation 1748658 (VCV001748658.4), dbSNP rs901947177, ClinGen allele CA286380817.

ClinVar aggregate classification (germline): Uncertain significance. Review status: criteria provided, multiple submitters, no conflicts (2 of 4 stars). 2 submissions from 2 submitters: Uncertain significance (2). Last evaluated 2022-09-02.

Conditions:
Cardiovascular phenotype. Identifiers: MedGen CN230736.

gnomAD v4.1: 12 of 1,550,204 alleles (0.00077%); highest among the groups gnomAD compares: Admixed American, 0.02%; no homozygotes.

Submissions (2):

Ambry Genetics
Classification: Uncertain significance for Cardiovascular phenotype. Last evaluated: 2022-09-02. Review status: criteria provided, single submitter. Criteria: Ambry Variant Classification Scheme 2023. Collection method: clinical testing. Allele origin: germline.
Comment: The p.P1873R variant (also known as c.5618C>G), located in coding exon 2 of the ZNF469 gene, results from a C to G substitution at nucleotide position 5618. The proline at codon 1873 is replaced by arginine, an amino acid with dissimilar properties. This amino acid position is conserved. In addition, this alteration is predicted to be tolerated by in silico analysis. Since supporting evidence is limited at this time, the clinical significance of this alteration remains unclear.

Labcorp Genetics (formerly Invitae), Labcorp
Classification: Uncertain significance. Last evaluated: 2022-08-21. Review status: criteria provided, single submitter. Criteria: Invitae Variant Classification Sherloc (09022015). Collection method: clinical testing. Allele origin: germline.
Comment: This sequence change replaces proline, which is neutral and non-polar, with arginine, which is basic and polar, at codon 1873 of the ZNF469 protein (p.Pro1873Arg). This variant is present in population databases (no rsID available, gnomAD 0.02%). This variant has not been reported in the literature in individuals affected with ZNF469-related conditions. Algorithms developed to predict the effect of missense changes on protein structure and function are either unavailable or do not agree on the potential impact of this missense change (SIFT: "Deleterious"; PolyPhen-2: "Possibly Damaging"; Align-GVGD: "Class C0"). In summary, the available evidence is currently insufficient to determine the role of this variant in disease. Therefore, it has been classified as a Variant of Uncertain Significance.